The following is an entry in ClinVar:

NM_014168.4(METTL5):c.541+1G>C

Gene: METTL5 (methyltransferase 5, N6-adenosine; minus strand). Cytogenetic location: 2q31.1.
Variant type: single nucleotide variant.
Coding change: c.541+1G>C on transcript NM_014168.4 (MANE Select); the canonical splice donor site of the intron after coding-DNA position 541, G replaced by C.
Molecular consequence: splice donor variant.
Genome position (GRCh38, 1-based): chr2:169,815,476, C>G on the plus strand (G>C on the coding strand, the complement: METTL5 is on the minus strand). VCF-style: chr2-169815476-C-G. GRCh37 (hg19) VCF-style: chr2-170671986-C-G.
Other names: c.541+1G>C (NM_001293187.2, NM_001293186.2).
Identifiers: ClinVar variation 917596 (VCV000917596.3), dbSNP rs1467526653, ClinGen allele CA348896472.
Genomic context (GRCh38, chr2:169,815,476, plus strand): 5'-AATTTTGGTTGGGCGAATACATGTTGGCCCTTTTGGATATTAGGATTGAGATTTGTCTTA[C>G]CTGCTATAATATCTATCTTGATTTTCCATTCTGCAGCTTTCTTTTGAACATGCTGAACAT-3'

ClinVar aggregate classification (germline): Pathogenic/Likely pathogenic. Review status: criteria provided, multiple submitters, no conflicts (2 of 4 stars). 3 submissions from 3 submitters: Pathogenic (1); Likely pathogenic (2). Last evaluated 2025-09-18.

Conditions:
Intellectual developmental disorder, autosomal recessive 72. Also called: MENTAL RETARDATION, AUTOSOMAL RECESSIVE 72. Identifiers: MedGen C5231452, MONDO:0032860, OMIM 618665.

Allele frequency attached by ClinVar (database versions not stated): TOPMed below 0.00001.

Submissions (3):

Department of Molecular Genetics, Istishari Arab Hospital
Classification: Likely pathogenic for Intellectual developmental disorder, autosomal recessive 72. Last evaluated: 2025-09-18. Review status: criteria provided, single submitter. Criteria: ACMG Guidelines, 2015. Collection method: clinical testing. Allele origin: germline. Inheritance: Autosomal recessive inheritance. Affected: yes.
Comment: The METTL5 variant c.541+1G>C affects the canonical splice site and is predicted to disrupt normal protein function. Multiple pathogenic variants are reported downstream of the variant. To the best of our knowledge, this variant was not previously reported in the literature and it is not observed in the gnomAD v4.1.0 dataset. It is classified as likely pathogenic based on ACMG/AMP/ClinGen SVI guidelines.

3billion
Classification: Pathogenic for Intellectual developmental disorder, autosomal recessive 72. Last evaluated: 2025-09-13. Review status: criteria provided, single submitter. Criteria: ACMG Guidelines, 2015. Collection method: clinical testing. Allele origin: germline. Affected: yes.
Comment: The variant is not observed in the gnomAD v4.1.0 dataset. Predicted Consequence/Location: Canonical splice site: predicted to alter splicing and result in a loss or disruption of normal protein function. Multiple pathogenic loss-of-function variants are reported downstream of the variant. In silico tools predict the variant to alter splicing and produce an abnormal transcript [SpliceAI: 0.67 (spliceogenicity >=0.2, non-spliceogenicity <0.1)]. The variant has been reported to be associated with METTL5-related disorder (ClinVar ID: VCV000917596 /3billion dataset). Therefore, this variant is classified as Pathogenic according to the recommendation of ACMG/AMP guideline.

Women's Health and Genetics/Laboratory Corporation of America, LabCorp
Classification: Likely pathogenic for INTELLECTUAL DEVELOPMENTAL DISORDER, AUTOSOMAL RECESSIVE 72. Last evaluated: 2020-01-03. Review status: criteria provided, single submitter. Criteria: LabCorp Variant Classification Summary - May 2015. Collection method: clinical testing. Allele origin: germline.
Comment: Variant summary: METTL5 c.541+1G>C is located in a canonical splice-site and is predicted to affect mRNA splicing resulting in a significantly altered protein due to either exon skipping, shortening, or inclusion of intronic material. Several computational tools predict a significant impact on normal splicing: Five predict the variant abolishes a 5' splicing donor site. However, these predictions have yet to be confirmed by functional studies. The variant was absent in 246690 control chromosomes (gnomAD). To our knowledge, no occurrence of c.541+1G>C in individuals affected with Intellectual developmental disorder, autosomal recessive 72 and no experimental evidence demonstrating its impact on protein function have been reported. No clinical diagnostic laboratories have submitted clinical-significance assessments for this variant to ClinVar after 2014. Based on the evidence outlined above, the variant was classified as likely pathogenic.